The following is an entry in ClinVar:

ClinVar aggregate classification (germline): Uncertain significance. Review status: criteria provided, multiple submitters, no conflicts (2 of 4 stars). 4 submissions from 4 submitters: Uncertain significance (4). Last evaluated 2025-04-21.

Conditions:
Hereditary diffuse gastric adenocarcinoma (HDGC). Also called: DIFFUSE GASTRIC AND LOBULAR BREAST CANCER SYNDROME. Identifiers: Orphanet 26106, MedGen C1708349, MONDO:0007648, OMIM 137215.
Hereditary cancer-predisposing syndrome. Also called: Tumor predisposition; Neoplastic Syndromes, Hereditary; Hereditary neoplastic syndrome; Hereditary Cancer Syndrome. Identifiers: Orphanet 140162, MedGen C0027672, MeSH D009386, MONDO:0015356.

Allele frequency attached by ClinVar (database versions not stated): gnomAD exomes below 0.00001.

Submissions (4):

Ambry Genetics
Classification: Uncertain significance for Hereditary cancer-predisposing syndrome. Last evaluated: 2025-04-21. Review status: criteria provided, single submitter. Criteria: Ambry Variant Classification Scheme 2023. Collection method: clinical testing. Allele origin: germline.
Comment: The p.M316I variant (also known as c.948G>A), located in coding exon 7 of the CDH1 gene, results from a G to A substitution at nucleotide position 948. The methionine at codon 316 is replaced by isoleucine, an amino acid with highly similar properties. This amino acid position is well conserved in available vertebrate species. In addition, this alteration is predicted to be tolerated by in silico analysis. Since supporting evidence is limited at this time, the clinical significance of this alteration remains unclear.

Color Diagnostics, LLC DBA Color Health
Classification: Uncertain significance for Hereditary cancer-predisposing syndrome. Last evaluated: 2023-12-04. Review status: criteria provided, single submitter. Criteria: ACMG Guidelines, 2015. Collection method: clinical testing. Allele origin: germline.
Comment: This missense variant replaces methionine with isoleucine at codon 316 of the CDH1 protein. Splice site prediction tools suggest that this variant may not impact RNA splicing. To our knowledge, functional studies have not been reported for this variant. This variant has not been reported in individuals affected with hereditary cancer in the literature. This variant has not been identified in the general population by the Genome Aggregation Database (gnomAD). The available evidence is insufficient to determine the role of this variant in disease conclusively. Therefore, this variant is classified as a Variant of Uncertain Significance.

Blueprint Genetics
Classification: Uncertain significance. Last evaluated: 2023-10-16. Review status: criteria provided, single submitter. Criteria: ACMG Guidelines, 2015. Collection method: clinical testing. Allele origin: germline.

Labcorp Genetics (formerly Invitae), Labcorp
Classification: Uncertain significance for Hereditary diffuse gastric adenocarcinoma. Last evaluated: 2023-08-08. Review status: criteria provided, single submitter. Criteria: Invitae Variant Classification Sherloc (09022015). Collection method: clinical testing. Allele origin: germline.
Comment: In summary, the available evidence is currently insufficient to determine the role of this variant in disease. Therefore, it has been classified as a Variant of Uncertain Significance. An algorithm developed to predict the effect of missense changes on protein structure and function (PolyPhen-2) suggests that this variant is likely to be disruptive. ClinVar contains an entry for this variant (Variation ID: 920038). This variant has not been reported in the literature in individuals affected with CDH1-related conditions. This variant is not present in population databases (gnomAD no frequency). This sequence change replaces methionine, which is neutral and non-polar, with isoleucine, which is neutral and non-polar, at codon 316 of the CDH1 protein (p.Met316Ile).

NM_004360.5(CDH1):c.948G>A (p.Met316Ile)

Gene: CDH1 (cadherin 1; plus strand). Cytogenetic location: 16q22.1.
Variant type: single nucleotide variant.
Coding change: c.948G>A on transcript NM_004360.5 (MANE Select); coding-DNA position 948, G replaced by A.
Protein change: p.Met316Ile; replaces methionine 316 with isoleucine.
Molecular consequence: missense variant. On other transcripts: 5 prime UTR variant (2).
Genome position (GRCh38, 1-based): chr16:68,811,799, G>A. VCF-style: chr16-68811799-G-A. GRCh37 (hg19) VCF-style: chr16-68845702-G-A.
Other names: c.948G>A, p.Met316Ile (NM_001317184.2); c.-668G>A (NM_001317185.2); c.-872G>A (NM_001317186.2); short protein forms M316I.
Identifiers: ClinVar variation 920038 (VCV000920038.13), dbSNP rs1960840818, ClinGen allele CA396459782.